The following is an entry in ClinVar:

ClinVar aggregate classification (germline): Uncertain significance (1 of 4 stars; one submission).

Submission:

Labcorp Genetics (formerly Invitae), Labcorp
Classification: Uncertain significance. Last evaluated: 2023-11-22. Review status: criteria provided, single submitter. Criteria: Invitae Variant Classification Sherloc (09022015). Collection method: clinical testing. Allele origin: germline.
Comment: This sequence change replaces glutamic acid, which is acidic and polar, with valine, which is neutral and non-polar, at codon 41 of the SAMD9L protein (p.Glu41Val). This variant is not present in population databases (gnomAD no frequency). This variant has not been reported in the literature in individuals affected with SAMD9L-related conditions. An algorithm developed to predict the effect of missense changes on protein structure and function (PolyPhen-2) suggests that this variant is likely to be disruptive. In summary, the available evidence is currently insufficient to determine the role of this variant in disease. Therefore, it has been classified as a Variant of Uncertain Significance.

NM_152703.5(SAMD9L):c.122A>T (p.Glu41Val)

Gene: SAMD9L (sterile alpha motif domain containing 9 like; minus strand). Cytogenetic location: 7q21.2.
Variant type: single nucleotide variant.
Coding change: c.122A>T on transcript NM_152703.5 (MANE Select); coding-DNA position 122, A replaced by T.
Protein change: p.Glu41Val; replaces glutamic acid 41 with valine.
Molecular consequence: missense variant.
Genome position (GRCh38, 1-based): chr7:93,135,850, T>A on the plus strand (A>T on the coding strand, the complement: SAMD9L is on the minus strand). VCF-style: chr7-93135850-T-A. GRCh37 (hg19) VCF-style: chr7-92765163-T-A.
Other names: c.122A>T, p.Glu41Val (NM_001303496.3, NM_001303497.3, NM_001303498.3 and 5 more transcripts); short protein forms E41V.
Identifiers: ClinVar variation 2698168 (VCV002698168.3), dbSNP rs1342622702, ClinGen allele CA368206850.
Genomic context (GRCh38, chr7:93,135,850, plus strand): 5'-GGTAGCCCCATTTCTACAAGGTCCTTCTCAGTTAATTCCTGCAGGACTAATCCTGTTACT[T>A]CTTCACTGAGCAGAATTTGCCCGTATTGCTCATTAATCTTAAGGTCTTCATTTACCCATT-3'
Protein context (NP_689916.2, residues 31-51): EQYGQILLSE[Glu41Val]VTGLVLQELT